The following is an entry in ClinVar:

ClinVar aggregate classification (germline): Uncertain significance (1 of 4 stars; one submission).

Conditions:
Hypogonadotropic hypogonadism 2 with or without anosmia (HH2). Also called: HYPOGONADOTROPIC HYPOGONADISM 2 WITH OR WITHOUT ANOSMIA, SUSCEPTIBILITY TO; HYPOGONADOTROPIC HYPOGONADISM 2 WITHOUT ANOSMIA, SUSCEPTIBILITY TO; HYPOGONADOTROPIC HYPOGONADISM 2 WITHOUT ANOSMIA; FGFR1-Related GnRH Deficiency (Kallmann Syndrome 2). Identifiers: Orphanet 478, MedGen C1563720, MONDO:0007844, OMIM 147950. Disease mechanism: loss of function.
Pfeiffer syndrome (ACS5). Also called: ACS V. Identifiers: Orphanet 710, MedGen C0220658, MONDO:0007043, OMIM 101600.

Allele frequency attached by ClinVar (database versions not stated): ExAC 0.00001.

Submission:

Labcorp Genetics (formerly Invitae), Labcorp
Classification: Uncertain significance for Pfeiffer syndrome; Hypogonadotropic hypogonadism 2 with or without anosmia. Last evaluated: 2024-03-04. Review status: criteria provided, single submitter. Criteria: Invitae Variant Classification Sherloc (09022015). Collection method: clinical testing. Allele origin: germline.
Comment: This sequence change replaces asparagine, which is neutral and polar, with serine, which is neutral and polar, at codon 240 of the FGFR1 protein (p.Asn240Ser). This variant is not present in population databases (gnomAD no frequency). This variant has not been reported in the literature in individuals affected with FGFR1-related conditions. ClinVar contains an entry for this variant (Variation ID: 2190015). Advanced modeling of protein sequence and biophysical properties (such as structural, functional, and spatial information, amino acid conservation, physicochemical variation, residue mobility, and thermodynamic stability) performed at Invitae indicates that this missense variant is not expected to disrupt FGFR1 protein function with a negative predictive value of 95%. In summary, the available evidence is currently insufficient to determine the role of this variant in disease. Therefore, it has been classified as a Variant of Uncertain Significance.

NM_023110.3(FGFR1):c.719A>G (p.Asn240Ser)

Gene: FGFR1 (fibroblast growth factor receptor 1; minus strand). Cytogenetic location: 8p11.23.
Variant type: single nucleotide variant.
Coding change: c.719A>G on transcript NM_023110.3 (MANE Select); coding-DNA position 719, A replaced by G.
Protein change: p.Asn240Ser; replaces asparagine 240 with serine.
Molecular consequence: missense variant.
Genome position (GRCh38, 1-based): chr8:38,426,148, T>C on the plus strand (A>G on the coding strand, the complement: FGFR1 is on the minus strand). VCF-style: chr8-38426148-T-C. GRCh37 (hg19) VCF-style: chr8-38283666-T-C.
Other names: c.719A>G, p.Asn240Ser (NM_000604.2, NM_001174063.2); c.695A>G, p.Asn232Ser (NM_001174064.2); c.713A>G, p.Asn238Ser (NM_001174065.2, NM_001354367.2, NM_001354369.2 and 2 more transcripts); c.452A>G, p.Asn151Ser (NM_001174066.2, NM_023105.3); c.812A>G, p.Asn271Ser (NM_001174067.2); c.446A>G, p.Asn149Ser (NM_001354368.2, NM_001354370.2, NM_023106.3); short protein forms N240S, N271S, N149S, N238S, N232S, N151S.
Identifiers: ClinVar variation 2190015 (VCV002190015.4), dbSNP rs768900681, ClinGen allele CA4718667.